The following is an entry in ClinVar:

ClinVar aggregate classification (germline): Uncertain significance (1 of 4 stars; one submission).

gnomAD v4.1: 1 of 1,612,970 alleles (0.000062%); highest among the groups gnomAD compares: South Asian, 0.0011%; no homozygotes.

Submission:

GeneDx
Classification: Uncertain significance. Last evaluated: 2021-02-26. Review status: criteria provided, single submitter. Criteria: GeneDx Variant Classification Process June 2021. Collection method: clinical testing. Allele origin: germline. Affected: yes.
Comment: Has not been previously published as pathogenic or benign to our knowledge; Not observed at a significant frequency in large population cohorts (Lek et al., 2016); In silico analysis supports that this missense variant has a deleterious effect on protein structure/function

NM_001365276.2(TNXB):c.5104G>T (p.Asp1702Tyr)

Gene: TNXB (tenascin XB; minus strand). Cytogenetic location: 6p21.33.
Variant type: single nucleotide variant.
Coding change: c.5104G>T on transcript NM_001365276.2 (MANE Select); coding-DNA position 5104, G replaced by T.
Protein change: p.Asp1702Tyr; replaces aspartic acid 1702 with tyrosine.
Molecular consequence: missense variant.
Genome position (GRCh38, 1-based): chr6:32,070,301, C>A on the plus strand (G>T on the coding strand, the complement: TNXB is on the minus strand). VCF-style: chr6-32070301-C-A. GRCh37 (hg19) VCF-style: chr6-32038078-C-A.
Other names: c.5104G>T, p.Asp1702Tyr (NM_019105.8); short protein forms D1702Y.
Identifiers: ClinVar variation 1314129 (VCV001314129.2), dbSNP rs780874838, ClinGen allele CA3734791.
Genomic context (GRCh38, chr6:32,070,301, plus strand): 5'-GGCCCTCCACGGGCACCACCTGGGGCCCGTCTTTGTCCTTGAACTGGACCACAAAAGAGT[C>A]GAACTGGCCCTCAGGAACCGTCCAGGAGAGGCGCAGTGAGTCTGGGGTGGGGTCTGTCAC-3'
Protein context (NP_001352205.1, residues 1692-1712): LSWTVPEGQF[Asp1702Tyr]SFVVQFKDKD